The following is an entry in ClinVar:

NM_000059.4(BRCA2):c.1241T>A (p.Leu414Ter)

Gene: BRCA2 (BRCA2 DNA repair associated; plus strand). Cytogenetic location: 13q13.1.
Variant type: single nucleotide variant.
Coding change: c.1241T>A on transcript NM_000059.4 (MANE Select); coding-DNA position 1241, T replaced by A.
Protein change: p.Leu414Ter; replaces leucine 414 with a stop codon.
Molecular consequence: nonsense.
Genome position (GRCh38, 1-based): chr13:32,332,719, T>A. VCF-style: chr13-32332719-T-A. GRCh37 (hg19) VCF-style: chr13-32906856-T-A.
Other names: short protein forms L414*.
Identifiers: ClinVar variation 51089 (VCV000051089.3), dbSNP rs397507576, ClinGen allele CA011294.

ClinVar aggregate classification (germline): Pathogenic. Review status: reviewed by expert panel (3 of 4 stars). 2 submissions from 2 submitters: Pathogenic (1). 1 of the submissions does not count toward it. Last evaluated 2017-12-15.

Conditions:
Breast-ovarian cancer, familial, susceptibility to, 2 (BROVCA2). Also called: BRCA2 Hereditary Breast and Ovarian Cancer. Identifiers: Orphanet 145, MedGen C2675520, MONDO:0012933, OMIM 612555. Disease mechanism: loss of function.
Familial cancer of breast. Also called: BREAST CANCER, FAMILIAL; Hereditary breast cancer; hereditary breast carcinoma. Identifiers: Orphanet 227535, MedGen C0346153, MONDO:0016419, OMIM 114480. Disease mechanism: loss of function.

Submissions (2):

Evidence-based Network for the Interpretation of Germline Mutant Alleles (ENIGMA)
Classification: Pathogenic for Breast-ovarian cancer, familial, susceptibility to, 2. Last evaluated: 2017-12-15. Review status: reviewed by expert panel. Criteria: ENIGMA BRCA1/2 Classification Criteria (2017-06-29). Collection method: curation. Allele origin: germline. Study: ENIGMA.
Comment: Variant allele predicted to encode a truncated non-functional protein.

ClinVar Staff, National Center for Biotechnology Information (NCBI)
No classification provided. Condition: Familial cancer of breast. Review status: no classification provided. Collection method: literature only. Allele origin: germline. Affected: yes. Not counted in ClinVar's aggregate classification.

Literature cited by the submitters: PubMed 9150172 (cited by ClinVar Staff, National Center for Biotechnology Information (NCBI)).